The following is an entry in ClinVar:

ClinVar aggregate classification (germline): Benign (1 of 4 stars; one submission).

Allele frequency attached by ClinVar (database versions not stated): gnomAD 0.04534 and 0.04785.
gnomAD v4.1: 3,474 of 77,382 alleles (4.5%); highest among the groups gnomAD compares: African/African-American, 15%; 178 homozygotes.

Submission:

GeneDx
Classification: Benign. Last evaluated: 2018-06-16. Review status: criteria provided, single submitter. Criteria: GeneDx Variant Classification (06012015). Collection method: clinical testing. Allele origin: germline. Affected: yes.
Comment: This variant is considered likely benign or benign based on one or more of the following criteria: it is a conservative change, it occurs at a poorly conserved position in the protein, it is predicted to be benign by multiple in silico algorithms, and/or has population frequency not consistent with disease.

NM_001244008.2(KIF1A):c.430-162G>A

Gene: KIF1A (kinesin family member 1A; minus strand). Cytogenetic location: 2q37.3.
Variant type: single nucleotide variant.
Coding change: c.430-162G>A on transcript NM_001244008.2 (MANE Select); 162 bases into the intron before coding-DNA position 430, G replaced by A.
Molecular consequence: intron variant.
Genome position (GRCh38, 1-based): chr2:240,786,675, C>T on the plus strand (G>A on the coding strand, the complement: KIF1A is on the minus strand). VCF-style: chr2-240786675-C-T. GRCh37 (hg19) VCF-style: chr2-241726092-C-T.
Other names: c.430-162G>A (NM_001379653.1, NM_001379650.1, NM_001379645.1 and 20 more transcripts).
Identifiers: ClinVar variation 677070 (VCV000677070.1), dbSNP rs938021788, ClinGen allele CA68141376.